The following is an entry in ClinVar:

ClinVar aggregate classification (germline): Uncertain significance (1 of 4 stars; one submission).

gnomAD v4.1: 3 of 1,607,896 alleles (0.00019%); highest among the groups gnomAD compares: Non-Finnish European, 0.00025%; no homozygotes.

Submission:

Women's Health and Genetics/Laboratory Corporation of America, LabCorp
Classification: Uncertain significance. Last evaluated: 2025-09-17. Review status: criteria provided, single submitter. Criteria: LabCorp Variant Classification Summary - May 2015. Collection method: clinical testing. Allele origin: germline.
Comment: Variant summary: DDX11 c.684G>A (p.Lys228Lys) alters a conserved nucleotide located close to a canonical splice site and therefore could affect mRNA splicing, leading to a significantly altered protein sequence. Several computational tools predict a significant impact on normal splicing: Three predict the variant abolishes a 5' splicing donor site. One predicts the variant weakens a 5' donor site. One predicts the variant weakens a cryptic 5' donor site. However, these predictions have yet to be confirmed by functional studies. The variant allele was found at a frequency of 4.1e-06 in 246572 control chromosomes. The available data on variant occurrences in the general population are insufficient to allow any conclusion about variant significance. To our knowledge, no occurrence of c.684G>A in individuals affected with DDX11-related conditions and no experimental evidence demonstrating its impact on protein function have been reported. No submitters have cited clinical-significance assessments for this variant to ClinVar. Based on the evidence outlined above, the variant was classified as uncertain significance.

NM_030653.4(DDX11):c.684G>A (p.Lys228=)

Gene: DDX11 (DEAD/H-box helicase 11; plus strand). Cytogenetic location: 12p11.21.
Variant type: single nucleotide variant.
Coding change: c.684G>A on transcript NM_030653.4 (MANE Select); coding-DNA position 684, G replaced by A.
Protein change: p.Lys228=; no amino-acid change (lysine 228 retained).
Molecular consequence: synonymous variant. On other transcripts: 5 prime UTR variant (3), non-coding transcript variant (4).
Genome position (GRCh38, 1-based): chr12:31,087,983, G>A. VCF-style: chr12-31087983-G-A. GRCh37 (hg19) VCF-style: chr12-31240917-G-A.
Other names: c.684G>A, p.Lys228= (NM_001257144.2, NM_001413692.1, NM_001413693.1 and 5 more transcripts); c.606G>A, p.Lys202= (NM_001257145.2, NM_001413697.1, NM_001413698.1 and 1 more transcripts); c.597G>A, p.Lys199= (NM_001413700.1); c.156G>A, p.Lys52= (NM_001413702.1, NM_001413703.1); c.-178G>A (NM_001413704.1, NM_001413705.1); c.-195G>A (NM_001413706.1).
Identifiers: ClinVar variation 4536149 (VCV004536149.1).